The following is an entry in ClinVar:

NM_152268.4(PARS2):c.340G>A (p.Gly114Ser)

Gene: PARS2 (prolyl-tRNA synthetase 2, mitochondrial; minus strand). Cytogenetic location: 1p32.3.
Variant type: single nucleotide variant.
Coding change: c.340G>A on transcript NM_152268.4 (MANE Select); coding-DNA position 340, G replaced by A.
Protein change: p.Gly114Ser; replaces glycine 114 with serine.
Molecular consequence: missense variant.
Genome position (GRCh38, 1-based): chr1:54,758,822, C>T on the plus strand (G>A on the coding strand, the complement: PARS2 is on the minus strand). VCF-style: chr1-54758822-C-T. GRCh37 (hg19) VCF-style: chr1-55224495-C-T.
Other names: short protein forms G114S.
Identifiers: ClinVar variation 983148 (VCV000983148.3), dbSNP rs778638516, ClinGen allele CA869499.

ClinVar aggregate classification (germline): Uncertain significance. Review status: criteria provided, multiple submitters, no conflicts (2 of 4 stars). 3 submissions from 3 submitters: Uncertain significance (3). Last evaluated 2023-07-17.

Conditions:
Developmental and epileptic encephalopathy, 75. Also called: EPILEPTIC ENCEPHALOPATHY, EARLY INFANTILE, 75. Identifiers: MedGen C5193099, MONDO:0032752, OMIM 618437.

Allele frequency attached by ClinVar (database versions not stated): gnomAD exomes below 0.00001; ExAC 0.00001.
gnomAD v4.1: 2 of 1,614,194 alleles (0.00012%); highest among the groups gnomAD compares: Non-Finnish European, 0.00017%; no homozygotes.

Submissions (3):

Victorian Clinical Genetics Services, Murdoch Childrens Research Institute
Classification: Uncertain significance for Developmental and epileptic encephalopathy, 75. Last evaluated: 2023-07-17. Review status: criteria provided, single submitter. Criteria: ACMG Guidelines, 2015. Collection method: clinical testing. Allele origin: germline. Inheritance: Autosomal recessive inheritance. Affected: yes.
Comment: Based on the classification scheme VCGS_Germline_v1.3.4, this variant is classified as VUS-3A. Following criteria are met: 0102 - Loss of function is a likely mechanism of disease in this gene and is associated with developmental and epileptic encephalopathy 75 (MIM#618437). (I) 0106 - This gene is associated with autosomal recessive disease. (I) 0200 - Variant is predicted to result in a missense amino acid change from glycine to serine. (I) 0251 - This variant is heterozygous. (I) 0304 - Variant is present in gnomAD <0.01 for a recessive condition (v2 & v3: 1 heterozygote, 0 homozygotes). (SP) 0309 - An alternative amino acid change at the same position has been observed in gnomAD (v2 & v3: 1 heterozygote, 0 homozygotes). (I) 0502 - Missense variant with conflicting in silico predictions and uninformative conservation. (I) 0604 - Variant is not located in an established domain, motif, hotspot or informative constraint region. Protein modelling studies indicate that the Gly114 has a structural role and the substitution to a longer and polar side chain in this position will likely render protein unstable and/or affect protein function (personal communication). However, these studies have not been supported by functional studies. (I) 0705 - No comparable missense variants have previous evidence for pathogenicity. (I) 0809 - Previous evidence of pathogenicity for this variant is inconclusive. It has been reported as a VUS by a clinical laboratory in ClinVar. (I) 0905 - No published segregation evidence has been identified for this variant. (I) 1006 - Research laboratory assay shows abnormal function of product not specific to the gene. Western blot performed with fibroblasts from compound heterozygous proband (this variant is in trans with NM_152268.3(PARS2):c.874T>C; p.(Cys292Arg)) showed decreased levels of complex I, III and IV, consistent with a combined respiratory chain enzyme defect (Brain and Mitochondrial Department, Murdoch Children's Research Institute, Victoria, Australia, personal communication). (I) Legend: (SP) - Supporting pathogenic, (I) - Information, (SB) - Supporting benign

Baylor Genetics
Classification: Uncertain significance for Developmental and epileptic encephalopathy, 75. Last evaluated: 2023-05-08. Review status: criteria provided, single submitter. Criteria: ACMG Guidelines, 2015. Collection method: clinical testing. Allele origin: unknown.

Institute of Human Genetics, University of Leipzig Medical Center
Classification: Uncertain significance for Developmental and epileptic encephalopathy, 75. Last evaluated: 2019-01-01. Review status: criteria provided, single submitter. Criteria: ACMG Guidelines, 2015. Collection method: clinical testing. Allele origin: unknown. Affected: yes.
Comment: This variant was identified as compound heterozygous.